The following is an entry in ClinVar:

ClinVar aggregate classification (germline): Pathogenic (1 of 4 stars; one submission).

Submission:

GeneDx
Classification: Pathogenic. Last evaluated: 2025-03-04. Review status: criteria provided, single submitter. Criteria: GeneDx Variant Classification Process June 2021. Collection method: clinical testing. Allele origin: germline.
Comment: Frameshift variant predicted to result in protein truncation or nonsense mediated decay in a gene for which loss-of-function is a known mechanism of disease; Not observed at significant frequency in large population cohorts (gnomAD); Has not been previously published as pathogenic or benign to our knowledge

NM_016628.5(WAC):c.482_483del (p.Lys161fs)

Gene: WAC (WW domain containing adaptor with coiled-coil; plus strand). Cytogenetic location: 10p12.1.
Variant type: Deletion.
Coding change: c.482_483del on transcript NM_016628.5 (MANE Select); coding-DNA positions 482 to 483, 2 bases deleted (AA; older notation c.482_483delAA).
Protein change: p.Lys161fs; shifts the reading frame from lysine 161.
Molecular consequence: frameshift variant.
Genome position (GRCh38, 1-based): chr10:28,589,836-28,589,837, AA deleted; deleting any 2 consecutive bases within chr10:28,589,834-28,589,837 gives the same sequence; the c. name uses the placement nearest the transcript's 3' end. VCF-style (leftmost placement, unchanged base first): chr10-28589833-CAA-C. GRCh37 (hg19) VCF-style: chr10-28878762-CAA-C.
Other names: c.347_348del, p.Lys116fs (NM_100264.3); c.482_483del, p.Lys161fs (NM_100486.4); short protein forms K116fs, K161fs.
Identifiers: ClinVar variation 3340967 (VCV003340967.2).